The following is an entry in ClinVar:

NM_000642.3(AGL):c.2449del (p.Ile817fs)

Gene: AGL (amylo-alpha-1,6-glucosidase and 4-alpha-glucanotransferase; plus strand). Cytogenetic location: 1p21.2.
Variant type: Deletion.
Coding change: c.2449del on transcript NM_000642.3 (MANE Select); coding-DNA position 2449, one base deleted (A; older notation c.2449delA).
Protein change: p.Ile817fs; shifts the reading frame from isoleucine 817.
Molecular consequence: frameshift variant.
Genome position (GRCh38, 1-based): chr1:99,884,354, A deleted; the last of 4 consecutive A bases (chr1:99,884,351-99,884,354); deleting any one gives the same sequence. VCF-style (leftmost placement, unchanged base first): chr1-99884350-TA-T. GRCh37 (hg19) VCF-style: chr1-100349906-TA-T.
Other names: c.2449del, p.Ile817fs (NM_000028.3, NM_000643.3, NM_000644.3 and 2 more transcripts); c.2401del, p.Ile801fs (NM_000646.3); c.2248del, p.Ile750fs (NM_001425327.1); c.2245del, p.Ile749fs (NM_001425328.1, NM_001425329.1); c.2071del, p.Ile691fs (NM_001425332.1); short protein forms I691fs, I749fs, I750fs, I801fs, I817fs.
Identifiers: ClinVar variation 5012398 (VCV005012398.1).
Genomic context (GRCh38, chr1:99,884,350, plus strand): 5'-CATTAGAACTATTTGTTGAATGGATTTTTTTAATGTACTTTTTTTCAAGCTTAATGAAAG[TA>T]AAATTGTTAAACAAGCTGGAGTTGCCACAAAAGGGCCCAATGAATATATTCAAGAAATAG-3'

ClinVar aggregate classification (germline): Pathogenic (1 of 4 stars; one submission).

Conditions:
Glycogen storage disease type III (GSD3). Also called: FORBES DISEASE; Cori disease. Identifiers: Orphanet 366, MedGen C0017922, MONDO:0009291, OMIM 232400.

Submission:

Myriad Genetics, Inc.
Classification: Pathogenic for Glycogen storage disease type III. Last evaluated: 2023-10-15. Review status: criteria provided, single submitter. Criteria: Myriad Autosomal Dominant, Autosomal Recessive and X-Linked Classification Criteria (2023). Collection method: clinical testing. Allele origin: unknown.
Comment: NM_000642.2(AGL):c.2449delA(I817Lfs*19) is expected to be pathogenic in the context of glycogen storage disease type III. This variant is predicted to lead to an abnormal or absent protein product due to the creation of a premature termination codon in AGL, a gene where loss-of-function variants are known to be pathogenic. Please note: this variant was assessed in the context of healthy population screening.